The following is an entry in ClinVar:

ClinVar aggregate classification (germline): Uncertain significance (1 of 4 stars; one submission).

gnomAD v4.1: 1 of 1,613,746 alleles (0.000062%); highest among the groups gnomAD compares: African/African-American, 0.0013%; no homozygotes.

Submission:

Ambry Genetics
Classification: Uncertain significance. Last evaluated: 2024-04-16. Review status: criteria provided, single submitter. Criteria: Ambry Variant Classification Scheme 2023. Collection method: clinical testing. Allele origin: germline.
Comment: The p.S2126P variant (also known as c.6376T>C), located in coding exon 20 of the POLQ gene, results from a T to C substitution at nucleotide position 6376. The serine at codon 2126 is replaced by proline, an amino acid with similar properties. This amino acid position is conserved. In addition, the in silico prediction for this alteration is inconclusive. Based on the available evidence, the clinical significance of this variant remains unclear.

NM_199420.4(POLQ):c.6376T>C (p.Ser2126Pro)

Gene: POLQ (DNA polymerase theta; minus strand). Cytogenetic location: 3q13.33.
Variant type: single nucleotide variant.
Coding change: c.6376T>C on transcript NM_199420.4 (MANE Select); coding-DNA position 6376, T replaced by C.
Protein change: p.Ser2126Pro; replaces serine 2126 with proline.
Molecular consequence: missense variant.
Genome position (GRCh38, 1-based): chr3:121,476,569, A>G on the plus strand (T>C on the coding strand, the complement: POLQ is on the minus strand). VCF-style: chr3-121476569-A-G. GRCh37 (hg19) VCF-style: chr3-121195416-A-G.
Other names: short protein forms S2126P.
Identifiers: ClinVar variation 3308632 (VCV003308632.1).